The following is an entry in ClinVar:

NM_133259.4(LRPPRC):c.3663dup (p.Phe1222fs)

Gene: LRPPRC (leucine rich pentatricopeptide repeat containing; minus strand). Cytogenetic location: 2p21.
Variant type: Duplication.
Coding change: c.3663dup on transcript NM_133259.4 (MANE Select); coding-DNA position 3663, one base duplicated (A; older notation c.3663dupA).
Protein change: p.Phe1222fs; shifts the reading frame from phenylalanine 1222.
Molecular consequence: frameshift variant.
Genome position (GRCh38, 1-based): chr2:43,899,512, T duplicated on the plus strand (A on the coding strand, the reverse complement: LRPPRC is on the minus strand). VCF-style (leftmost placement, unchanged base first): chr2-43899511-A-AT. GRCh37 (hg19) VCF-style: chr2-44126650-A-AT.
Other names: short protein forms F1222fs.
Identifiers: ClinVar variation 2089367 (VCV002089367.5), dbSNP rs2466378229, ClinGen allele CA2580066497.
Genomic context (GRCh38, chr2:43,899,511, plus strand): 5'-AAACAACTAACTTACTCTTTTCAACTGCTGGTTCCAACTGCTCCTCTATTACTTTTCTGA[A>AT]TAAGTATGCCAAGCCGAAGTATTGGGGTTCAATGACTTTATTCTCTGAAGTAAGCATATT-3'

ClinVar aggregate classification (germline): Pathogenic/Likely pathogenic. Review status: criteria provided, multiple submitters, no conflicts (2 of 4 stars). 2 submissions from 2 submitters: Pathogenic (1); Likely pathogenic (1). Last evaluated 2024-03-21.

Conditions:
Congenital lactic acidosis, Saguenay-Lac-Saint-Jean type (MC4DN5). Also called: CYTOCHROME c OXIDASE DEFICIENCY, FRENCH CANADIAN TYPE; COX DEFICIENCY, FRENCH CANADIAN TYPE; MITOCHONDRIAL COMPLEX IV DEFICIENCY, NUCLEAR TYPE 5. Identifiers: Orphanet 70472, MedGen C1857355, MONDO:0009069, OMIM 220111.

Allele frequency attached by ClinVar (database versions not stated): gnomAD exomes below 0.00001.

Submissions (2):

Baylor Genetics
Classification: Likely pathogenic for Congenital lactic acidosis, Saguenay-Lac-Saint-Jean type. Last evaluated: 2024-03-21. Review status: criteria provided, single submitter. Criteria: ACMG Guidelines, 2015. Collection method: clinical testing. Allele origin: unknown.

Labcorp Genetics (formerly Invitae), Labcorp
Classification: Pathogenic. Last evaluated: 2022-02-02. Review status: criteria provided, single submitter. Criteria: Invitae Variant Classification Sherloc (09022015). Collection method: clinical testing. Allele origin: germline.
Comment: For these reasons, this variant has been classified as Pathogenic. This variant has not been reported in the literature in individuals affected with LRPPRC-related conditions. This variant is not present in population databases (gnomAD no frequency). This sequence change creates a premature translational stop signal (p.Phe1222Ilefs*14) in the LRPPRC gene. It is expected to result in an absent or disrupted protein product. Loss-of-function variants in LRPPRC are known to be pathogenic (PMID: 26510951).

Literature cited by the submitters: PubMed 26510951 (cited by Labcorp Genetics (formerly Invitae), Labcorp).